The following is an entry in ClinVar:

ClinVar aggregate classification (germline): Conflicting classifications of pathogenicity. Review status: criteria provided, conflicting classifications (1 of 4 stars). 6 submissions from 6 submitters: Likely pathogenic (1); Uncertain significance (5). Last evaluated 2026-07-02.

Conditions:
Polycystic kidney disease, adult type (PKD1). Also called: Polycystic kidney disease 1; Polycystic kidney disease 1, severe; Polycystic Kidney, Autosomal Dominant; POLYCYSTIC KIDNEY DISEASE 1 WITH OR WITHOUT POLYCYSTIC LIVER DISEASE; Polycystic Kidney Disease 1, Autosomal Dominant; POLYCYSTIC KIDNEY DISEASE, ADULT, TYPE I. Identifiers: MedGen C3149841, MONDO:0008263, OMIM 173900.
Autosomal dominant polycystic kidney disease. Identifiers: Orphanet 730, MedGen C0085413, MONDO:0004691.

Allele frequency attached by ClinVar (database versions not stated): gnomAD exomes below 0.00001.

Submissions (6):

Women's Health and Genetics/Laboratory Corporation of America, LabCorp
Classification: Uncertain significance. Last evaluated: 2026-07-02. Review status: criteria provided, single submitter. Criteria: LabCorp Variant Classification Summary - May 2015. Collection method: clinical testing. Allele origin: germline.
Comment: Variant summary: PKD1 c.662T>C (p.Leu221Pro) results in a non-conservative amino acid change in the encoded protein sequence. Algorithms developed to predict the effect of missense changes on protein structure and function are either unavailable or do not agree on the potential impact of this missense change. The variant was absent in 134794 control chromosomes. The available data on variant occurrences in the general population are insufficient to allow any conclusion about variant significance. To our knowledge, no occurrence of c.662T>C in individuals affected with PKD1-related conditions and no experimental evidence demonstrating its impact on protein function have been reported. ClinVar contains an entry for this variant (Variation ID: 618802). Based on the evidence outlined above, the variant was classified as uncertain significance.

Fulgent Genetics
Classification: Likely pathogenic for Polycystic kidney disease, adult type. Last evaluated: 2024-03-28. Review status: criteria provided, single submitter. Criteria: ACMG Guidelines, 2015. Collection method: clinical testing. Allele origin: germline.

GeneDx
Classification: Uncertain significance. Last evaluated: 2023-11-16. Review status: criteria provided, single submitter. Criteria: GeneDx Variant Classification Process June 2021. Collection method: clinical testing. Allele origin: germline. Affected: yes.
Comment: Reported with additional PKD1 variants in patient with in published literature; the authors propose all three PKD1 variants are on the same allele (in cis) (Xue et al., 2022); Not observed at significant frequency in large population cohorts (gnomAD); In silico analysis supports that this missense variant does not alter protein structure/function; This variant is associated with the following publications: (PMID: Xue2022[abstract])

Athena Diagnostics
Classification: Uncertain significance. Last evaluated: 2020-03-03. Review status: criteria provided, single submitter. Criteria: Athena Diagnostics Criteria. Collection method: clinical testing. Allele origin: unknown.

Molecular Genetics of Inherited Kidney Disorders Laboratory, Garvan Institute of Medical Research
Classification: Uncertain significance for Autosomal dominant polycystic kidney disease. Last evaluated: 2019-01-01. Review status: criteria provided, single submitter. Criteria: ACMG Guidelines, 2015. Collection method: research. Allele origin: germline. Affected: yes.

ARUP Laboratories, Molecular Genetics and Genomics, ARUP Laboratories
Classification: Uncertain significance. Last evaluated: 2017-10-17. Review status: criteria provided, single submitter. Criteria: ARUP Molecular Germline Variant Investigation Process. Collection method: clinical testing. Allele origin: germline.

NM_001009944.3(PKD1):c.662T>C (p.Leu221Pro)

Gene: PKD1 (polycystin 1, transient receptor potential channel interacting; minus strand). Cytogenetic location: 16p13.3.
Variant type: single nucleotide variant.
Coding change: c.662T>C on transcript NM_001009944.3 (MANE Select); coding-DNA position 662, T replaced by C.
Protein change: p.Leu221Pro; replaces leucine 221 with proline.
Molecular consequence: missense variant.
Genome position (GRCh38, 1-based): chr16:2,118,330, A>G on the plus strand (T>C on the coding strand, the complement: PKD1 is on the minus strand). VCF-style: chr16-2118330-A-G. GRCh37 (hg19) VCF-style: chr16-2168331-A-G.
Other names: c.662T>C, p.Leu221Pro (NM_000296.4); short protein forms L221P.
Identifiers: ClinVar variation 618802 (VCV000618802.13), dbSNP rs1567218310, ClinGen allele CA394394665.
Genomic context (GRCh38, chr16:2,118,330, plus strand): 5'-GAGGCACTGGAGGGCTGGGCCGCCCCACACAGGCACCAGCCCTGCTCCGAGAGGGCTGCG[A>G]GGCCCTGGCCGGTGGAGAAGCAGAAGGCGCTGCAGGCCTCTGGCTGAAGCAGGCCTTCGT-3'
Protein context (NP_001009944.3, residues 211-231): SAFCFSTGQG[Leu221Pro]AALSEQGWCL